The following is an entry in ClinVar:

NM_001366385.1(CARD14):c.1541C>T (p.Pro514Leu)

Gene: CARD14 (caspase recruitment domain family member 14; plus strand). Cytogenetic location: 17q25.3.
Variant type: single nucleotide variant.
Coding change: c.1541C>T on transcript NM_001366385.1 (MANE Select); coding-DNA position 1541, C replaced by T.
Protein change: p.Pro514Leu; replaces proline 514 with leucine.
Molecular consequence: missense variant. On other transcripts: non-coding transcript variant (1).
Genome position (GRCh38, 1-based): chr17:80,195,599, C>T. VCF-style: chr17-80195599-C-T. GRCh37 (hg19) VCF-style: chr17-78169398-C-T.
Other names: c.1541C>T, p.Pro514Leu (NM_001257970.1, NM_024110.4); c.830C>T, p.Pro277Leu (NM_052819.3); short protein forms P277L, P514L.
Identifiers: ClinVar variation 2150836 (VCV002150836.4), dbSNP rs778906655, ClinGen allele CA8816863.

ClinVar aggregate classification (germline): Uncertain significance (1 of 4 stars; one submission).

Conditions:
Psoriasis 2. Identifiers: MedGen C1864497, MONDO:0011269, OMIM 602723.
Pityriasis rubra pilaris (PRP). Also called: Pityriasis rubra pilaris--familial type. Identifiers: Orphanet 2897, MedGen C0032027, MONDO:0100017, OMIM 173200, MONDO:0008251.

Allele frequency attached by ClinVar (database versions not stated): gnomAD 0.00001; gnomAD exomes 0.00001; TOPMed 0.00001; ExAC 0.00002.
gnomAD v4.1: 16 of 1,613,060 alleles (0.00099%); highest among the groups gnomAD compares: East Asian, 0.013%; no homozygotes.

Submission:

Labcorp Genetics (formerly Invitae), Labcorp
Classification: Uncertain significance for Pityriasis rubra pilaris; Psoriasis 2. Last evaluated: 2022-09-03. Review status: criteria provided, single submitter. Criteria: Invitae Variant Classification Sherloc (09022015). Collection method: clinical testing. Allele origin: germline.
Comment: Algorithms developed to predict the effect of missense changes on protein structure and function output the following: SIFT: "Tolerated"; PolyPhen-2: "Benign"; Align-GVGD: "Class C0". The leucine amino acid residue is found in multiple mammalian species, which suggests that this missense change does not adversely affect protein function. In summary, the available evidence is currently insufficient to determine the role of this variant in disease. Therefore, it has been classified as a Variant of Uncertain Significance. This variant has not been reported in the literature in individuals affected with CARD14-related conditions. This variant is present in population databases (rs778906655, gnomAD 0.02%). This sequence change replaces proline, which is neutral and non-polar, with leucine, which is neutral and non-polar, at codon 514 of the CARD14 protein (p.Pro514Leu).